The following is an entry in ClinVar:

ClinVar aggregate classification (germline): Uncertain significance (1 of 4 stars; one submission).

Conditions:
Nemaline myopathy 6 (NEM6). Also called: Nemaline myopathy 6, autosomal dominant. Identifiers: Orphanet 171439, MedGen C1836472, MONDO:0012237, OMIM 609273.

gnomAD v4.1: 3 of 1,560,984 alleles (0.00019%); highest among the groups gnomAD compares: Non-Finnish European, 0.00017%; no homozygotes.

Submission:

Labcorp Genetics (formerly Invitae), Labcorp
Classification: Uncertain significance for Nemaline myopathy 6. Last evaluated: 2024-04-10. Review status: criteria provided, single submitter. Criteria: Invitae Variant Classification Sherloc (09022015). Collection method: clinical testing. Allele origin: germline.
Comment: This sequence change creates a premature translational stop signal (p.Trp12*) in the KBTBD13 gene. While this is not anticipated to result in nonsense mediated decay, it is expected to disrupt the last 447 amino acid(s) of the KBTBD13 protein. This variant is not present in population databases (gnomAD no frequency). This variant has not been reported in the literature in individuals affected with KBTBD13-related conditions. Experimental studies and prediction algorithms are not available or were not evaluated, and the functional significance of this variant is currently unknown. In summary, the available evidence is currently insufficient to determine the role of this variant in disease. Therefore, it has been classified as a Variant of Uncertain Significance.

NM_001101362.3(KBTBD13):c.35G>A (p.Trp12Ter)

Gene: KBTBD13 (kelch repeat and BTB domain containing 13; plus strand). Cytogenetic location: 15q22.31.
Variant type: single nucleotide variant.
Coding change: c.35G>A on transcript NM_001101362.3 (MANE Select); coding-DNA position 35, G replaced by A.
Protein change: p.Trp12Ter; replaces tryptophan 12 with a stop codon.
Molecular consequence: nonsense.
Genome position (GRCh38, 1-based): chr15:65,076,850, G>A. VCF-style: chr15-65076850-G-A. GRCh37 (hg19) VCF-style: chr15-65369188-G-A.
Other names: short protein forms W12*.
Identifiers: ClinVar variation 3626158 (VCV003626158.2).
Genomic context (GRCh38, chr15:65,076,850, plus strand): 5'-GGCAGCCTCCGCCCGGCCAGCTCGCCATGGCACGGGGTCCACAGACCCTGGTGCAGGTGT[G>A]GGTGGGCGGCCAGCTCTTCCAAGCCGACCGCGCCCTGCTGGTGGAGCACTGTGGCTTCTT-3'